The following is an entry in ClinVar:

ClinVar aggregate classification (germline): Uncertain significance (1 of 4 stars; one submission).

Submission:

GeneDx
Classification: Uncertain significance. Last evaluated: 2020-01-17. Review status: criteria provided, single submitter. Criteria: GeneDx Variant Classification Process June 2021. Collection method: clinical testing. Allele origin: germline. Affected: yes.
Comment: Not observed in large population cohorts (Lek 2016); In silico analysis, which includes protein predictors and evolutionary conservation, supports that this variant does not alter protein structure/function; Has not been previously published as pathogenic or benign to our knowledge

NM_001354604.2(MITF):c.1417G>A (p.Val473Ile)

Gene: MITF (melanocyte inducing transcription factor; plus strand). Cytogenetic location: 3p13.
Variant type: single nucleotide variant.
Coding change: c.1417G>A on transcript NM_001354604.2 (MANE Select); coding-DNA position 1417, G replaced by A.
Protein change: p.Val473Ile; replaces valine 473 with isoleucine.
Molecular consequence: missense variant.
Genome position (GRCh38, 1-based): chr3:69,965,084, G>A. VCF-style: chr3-69965084-G-A. GRCh37 (hg19) VCF-style: chr3-70014235-G-A.
Other names: c.1096G>A, p.Val366Ile (NM_000248.4); c.1243G>A, p.Val415Ile (NM_001184967.2, NM_001354608.2); c.1414G>A, p.Val472Ile (NM_001354605.2); c.1396G>A, p.Val466Ile (NM_001354606.2, NM_006722.3); c.1348G>A, p.Val450Ile (NM_001354607.2); c.1078G>A, p.Val360Ile (NM_198158.3); c.1399G>A, p.Val467Ile (NM_198159.3); c.1351G>A, p.Val451Ile (NM_198177.3); and 1 more; short protein forms V304I, V360I, V366I, V415I, V450I, V451I, V466I, V467I.
Identifiers: ClinVar variation 1313653 (VCV001313653.2), dbSNP rs2107552828, ClinGen allele CA353559800.